The following is an entry in ClinVar:

NM_015375.3(DSTYK):c.532G>A (p.Val178Ile)

Gene: DSTYK (dual serine/threonine and tyrosine protein kinase; minus strand). Cytogenetic location: 1q32.1.
Variant type: single nucleotide variant.
Coding change: c.532G>A on transcript NM_015375.3 (MANE Select); coding-DNA position 532, G replaced by A.
Protein change: p.Val178Ile; replaces valine 178 with isoleucine.
Molecular consequence: missense variant.
Genome position (GRCh38, 1-based): chr1:205,187,540, C>T on the plus strand (G>A on the coding strand, the complement: DSTYK is on the minus strand). VCF-style: chr1-205187540-C-T. GRCh37 (hg19) VCF-style: chr1-205156668-C-T.
Other names: c.532G>A, p.Val178Ile (NM_199462.3); short protein forms V178I.
Identifiers: ClinVar variation 2721158 (VCV002721158.3), dbSNP rs760498805, ClinGen allele CA1353020.

ClinVar aggregate classification (germline): Uncertain significance (1 of 4 stars; one submission).

Allele frequency attached by ClinVar (database versions not stated): ExAC 0.00002; gnomAD 0.00001; gnomAD exomes 0.00001.
gnomAD v4.1: 8 of 1,614,030 alleles (0.0005%); highest among the groups gnomAD compares: African/African-American, 0.004%; no homozygotes.

Submission:

Labcorp Genetics (formerly Invitae), Labcorp
Classification: Uncertain significance. Last evaluated: 2025-02-17. Review status: criteria provided, single submitter. Criteria: Invitae Variant Classification Sherloc (09022015). Collection method: clinical testing. Allele origin: germline.
Comment: This sequence change replaces valine, which is neutral and non-polar, with isoleucine, which is neutral and non-polar, at codon 178 of the DSTYK protein (p.Val178Ile). This variant is present in population databases (rs760498805, gnomAD 0.007%). This variant has not been reported in the literature in individuals affected with DSTYK-related conditions. ClinVar contains an entry for this variant (Variation ID: 2721158). An algorithm developed to predict the effect of missense changes on protein structure and function (PolyPhen-2) suggests that this variant is likely to be tolerated. In summary, the available evidence is currently insufficient to determine the role of this variant in disease. Therefore, it has been classified as a Variant of Uncertain Significance.